The following is an entry in ClinVar:

NM_001330559.2(L3MBTL4):c.603G>A (p.Val201=)

Gene: L3MBTL4 (L3MBTL histone methyl-lysine binding protein 4; minus strand). Cytogenetic location: 18p11.31.
Variant type: single nucleotide variant.
Coding change: c.603G>A on transcript NM_001330559.2 (MANE Select); coding-DNA position 603, G replaced by A.
Protein change: p.Val201=; no amino-acid change (valine 201 retained).
Molecular consequence: synonymous variant. On other transcripts: non-coding transcript variant (3).
Genome position (GRCh38, 1-based): chr18:6,239,822, C>T on the plus strand (G>A on the coding strand, the complement: L3MBTL4 is on the minus strand). VCF-style: chr18-6239822-C-T. GRCh37 (hg19) VCF-style: chr18-6239821-C-T.
Other names: c.603G>A, p.Val201= (NM_001365765.2, NM_001365766.2, NM_001365767.2 and 4 more transcripts).
Identifiers: ClinVar variation 3770418 (VCV003770418.13).
Genomic context (GRCh38, chr18:6,239,822, plus strand): 5'-GCGATCTTCAACAATATCTGCTATGGTCGCCACACACACCAAGGAAGGGTTCTTCCTGTC[C>T]ACGGCCTCCAGCTTCATTCCAACCTGAAATTCTTTAGACATTGGCCCATTCTAACGCAGC-3'
Protein context (NP_001317488.1, residues 191-211): EFQVGMKLEA[Val201=]DRKNPSLVCV

ClinVar aggregate classification (germline): Likely benign (1 of 4 stars; one submission).

gnomAD v4.1: 4,185 of 1,614,130 alleles (0.26%); highest among the groups gnomAD compares: Non-Finnish European, 0.32%; 2 homozygotes.

Submission:

CeGaT Center for Human Genetics Tuebingen
Classification: Likely benign. Last evaluated: 2025-02-01. Review status: criteria provided, single submitter. Criteria: CeGaT Center For Human Genetics Tuebingen Variant Classification Criteria Version 2. Collection method: clinical testing. Allele origin: germline. Affected: yes. Observed: 1 variant allele.
Comment: L3MBTL4: BP4, BP7